The following is an entry in ClinVar:

NM_015076.5(CDK19):c.82G>C (p.Gly28Arg)

Genes: AMD1 (adenosylmethionine decarboxylase 1; plus strand), CDK19 (cyclin dependent kinase 19; minus strand). Cytogenetic location: 6q21.
Variant type: single nucleotide variant.
Coding change: c.82G>C on transcript NM_015076.5 (MANE Select); coding-DNA position 82, G replaced by C.
Protein change: p.Gly28Arg; replaces glycine 28 with arginine.
Molecular consequence: missense variant. On other transcripts: intron variant (3).
Genome position (GRCh38, 1-based): chr6:110,815,055, C>G on the plus strand (G>C on the coding strand, the complement: CDK19 is on the minus strand). VCF-style: chr6-110815055-C-G. GRCh37 (hg19) VCF-style: chr6-111136258-C-G.
Other names: CDK19, GLY28ARG, c.82G-C; c.82G>C, p.Gly28Arg (NM_001300960.2); c.-53+753G>C (NM_001300964.2); c.-115+516G>C (NM_001300963.2); c.-98+240C>G (NM_001287215.2); short protein forms G28R.
Identifiers: ClinVar variation 973822 (VCV000973822.8), dbSNP rs1783519120, ClinGen allele CA365245604.

ClinVar aggregate classification (germline): Pathogenic. Review status: criteria provided, single submitter (1 of 4 stars). 3 submissions from 3 submitters: Pathogenic (1). 2 of the submissions do not count toward it. Last evaluated 2022-09-15.

Conditions:
Developmental and epileptic encephalopathy, 87. Also called: EPILEPTIC ENCEPHALOPATHY, EARLY INFANTILE, 87. Identifiers: MedGen C5394501, MONDO:0030059, OMIM 618916.

Submissions (3):

GeneDx
Classification: Pathogenic. Last evaluated: 2022-09-15. Review status: criteria provided, single submitter. Criteria: GeneDx Variant Classification Process June 2021. Collection method: clinical testing. Allele origin: germline. Affected: yes.
Comment: Published functional studies demonstrate significantly decreased kinase activity (Zarate et al., 2021); Not observed at significant frequency in large population cohorts (gnomAD); In silico analysis supports that this missense variant has a deleterious effect on protein structure/function; This variant is associated with the following publications: (PMID: 33495529)

OMIM
Classification: Pathogenic for DEVELOPMENTAL AND EPILEPTIC ENCEPHALOPATHY 87. Last evaluated: 2022-10-18. Review status: no assertion criteria provided. Collection method: literature only. Allele origin: germline. Not counted in ClinVar's aggregate classification.

Zarate Arkansas Children's Genetics Clinic, Arkansas Children's Hospital
Classification: Pathogenic for Developmental and epileptic encephalopathy, 87. Last evaluated: 2020-08-11. Review status: no assertion criteria provided. Collection method: clinical testing. Allele origin: de novo. Affected: yes. Observed: 1 variant allele. Not counted in ClinVar's aggregate classification.
Comment: De novo variant, in conserved residue, absent in population databases, located in functional domain with other variants, functional studies demonstrate a damaging effect with reduced kinase activity compared to WT, other individuals with same substitution

Literature cited by the submitters: PubMed 33495529 (cited by OMIM).